The following is an entry in ClinVar:

NM_002335.4(LRP5):c.488+4A>G

Gene: LRP5 (LDL receptor related protein 5; plus strand). Cytogenetic location: 11q13.2.
Variant type: single nucleotide variant.
Coding change: c.488+4A>G on transcript NM_002335.4 (MANE Select); 4 bases into the intron after coding-DNA position 488, A replaced by G.
Molecular consequence: intron variant.
Genome position (GRCh38, 1-based): chr11:68,348,247, A>G. VCF-style: chr11-68348247-A-G. GRCh37 (hg19) VCF-style: chr11-68115715-A-G.
Other names: c.-1278+4A>G (NM_001291902.2).
Identifiers: ClinVar variation 2040639 (VCV002040639.4), dbSNP rs758702608, ClinGen allele CA2580084725.

ClinVar aggregate classification (germline): Uncertain significance (1 of 4 stars; one submission).

Allele frequency attached by ClinVar (database versions not stated): gnomAD exomes below 0.00001.
gnomAD v4.1: 1 of 1,603,774 alleles (0.000062%); highest among the groups gnomAD compares: Non-Finnish European, 0.000085%; no homozygotes.

Submission:

Labcorp Genetics (formerly Invitae), Labcorp
Classification: Uncertain significance. Last evaluated: 2022-09-01. Review status: criteria provided, single submitter. Criteria: Invitae Variant Classification Sherloc (09022015). Collection method: clinical testing. Allele origin: germline.
Comment: This sequence change falls in intron 2 of the LRP5 gene. It does not directly change the encoded amino acid sequence of the LRP5 protein. It affects a nucleotide within the consensus splice site. This variant is not present in population databases (gnomAD no frequency). This variant has not been reported in the literature in individuals affected with LRP5-related conditions. Variants that disrupt the consensus splice site are a relatively common cause of aberrant splicing (PMID: 17576681, 9536098). Algorithms developed to predict the effect of sequence changes on RNA splicing suggest that this variant may disrupt the consensus splice site. In summary, the available evidence is currently insufficient to determine the role of this variant in disease. Therefore, it has been classified as a Variant of Uncertain Significance.

Literature cited by the submitters: PubMed 17576681; PubMed 9536098.